The following is an entry in ClinVar:

NM_000384.3(APOB):c.13678A>G (p.Thr4560Ala)

Genes: APOB (apolipoprotein B; minus strand), APOB3'MAR (APOB 3' scaffold/matrix attachment region; plus strand). Cytogenetic location: 2p24.1.
Variant type: single nucleotide variant.
Coding change: c.13678A>G on transcript NM_000384.3 (MANE Select); coding-DNA position 13678, A replaced by G.
Protein change: p.Thr4560Ala; replaces threonine 4560 with alanine.
Molecular consequence: missense variant.
Genome position (GRCh38, 1-based): chr2:21,001,744, T>C on the plus strand (A>G on the coding strand, the complement: APOB is on the minus strand). VCF-style: chr2-21001744-T-C. GRCh37 (hg19) VCF-style: chr2-21224616-T-C.
Other names: short protein forms T4560A.
Identifiers: ClinVar variation 924647 (VCV000924647.3), dbSNP rs1662980568, ClinGen allele CA345966636.

ClinVar aggregate classification (germline): Uncertain significance (1 of 4 stars; one submission).

Conditions:
Familial hypercholesterolemia. Also called: Familial hypercholesterolaemia. Identifiers: MedGen C0020445, MONDO:0005439.

Submission:

Color Diagnostics, LLC DBA Color Health
Classification: Uncertain significance for Familial hypercholesterolemia. Last evaluated: 2019-02-26. Review status: criteria provided, single submitter. Criteria: ACMG Guidelines, 2015. Collection method: clinical testing. Allele origin: germline.
Comment: Variant of Uncertain Significance due to insufficient evidence: This missense variant (also known as p.Thr4533Ala in the mature protein) replaces threonine with alanine at codon 4560 of the APOB protein. Computational prediction tools and conservation analyses are inconclusive regarding the impact of this variant on the protein function. Computational splicing tools suggest that this variant may not impact RNA splicing. To our knowledge, functional assays have not been performed for this variant nor has this variant been reported in individuals affected with familial hypercholesterolemia in the literature. This variant is rare in the general population and has been identified in 0/277264 chromosomes by the Genome Aggregation Database (gnomAD). Available evidence is insufficient to determine the role of this variant in disease conclusively.